The following is an entry in ClinVar:

NM_004281.4(BAG3):c.206dup (p.Ser70fs)

Gene: BAG3 (BAG cochaperone 3; plus strand). Cytogenetic location: 10q26.11.
Variant type: Duplication.
Coding change: c.206dup on transcript NM_004281.4 (MANE Select); coding-DNA position 206, one base duplicated (C; older notation c.206dupC).
Protein change: p.Ser70fs; shifts the reading frame from serine 70.
Molecular consequence: frameshift variant.
Genome position (GRCh38, 1-based): chr10:119,669,876, C duplicated; the last of 3 consecutive C bases (chr10:119,669,874-119,669,876); duplicating any one gives the same sequence. VCF-style (leftmost placement, unchanged base first): chr10-119669873-G-GC. GRCh37 (hg19) VCF-style: chr10-121429385-G-GC.
Other names: c.206dupC (NM_004281.3); short protein forms S70fs.
Identifiers: ClinVar variation 418720 (VCV000418720.6), dbSNP rs1554876984, ClinGen allele CA16618932.

ClinVar aggregate classification (germline): Pathogenic. Review status: criteria provided, multiple submitters, no conflicts (2 of 4 stars). 2 submissions from 2 submitters: Pathogenic (2). Last evaluated 2024-03-06.

Conditions:
Dilated cardiomyopathy 1HH (CMD1HH). Identifiers: Orphanet 154, MedGen C3151293, MONDO:0013479, OMIM 613881.
Myofibrillar myopathy 6. Identifiers: Orphanet 199340, MedGen C2751831, MONDO:0013061, OMIM 612954.

Submissions (2):

Labcorp Genetics (formerly Invitae), Labcorp
Classification: Pathogenic for Dilated cardiomyopathy 1HH; Myofibrillar myopathy 6. Last evaluated: 2024-03-06. Review status: criteria provided, single submitter. Criteria: Invitae Variant Classification Sherloc (09022015). Collection method: clinical testing. Allele origin: germline.
Comment: This sequence change creates a premature translational stop signal (p.Ser70Phefs*6) in the BAG3 gene. It is expected to result in an absent or disrupted protein product. Loss-of-function variants in BAG3 are known to be pathogenic (PMID: 21353195, 25008357). This variant is not present in population databases (gnomAD no frequency). This variant has not been reported in the literature in individuals affected with BAG3-related conditions. ClinVar contains an entry for this variant (Variation ID: 418720). For these reasons, this variant has been classified as Pathogenic.

GeneDx
Classification: Pathogenic. Last evaluated: 2015-04-06. Review status: criteria provided, single submitter. Criteria: GeneDx Variant Classification (06012015). Collection method: clinical testing. Allele origin: germline. Affected: yes.
Comment: Although the c.206dupC variant in the BAG3 gene has not been reported to our knowledge, this variant isexpected to result in either an abnormal, truncated protein product or loss of protein from this allele throughnonsense-mediated mRNA decay. Other frameshift variants in the BAG3 gene have been reported in HGMDin association with DCM (Stenson P et al., 2014). Furthermore, the c.206dupC duplication was not observed inapproximately 6,500 individuals of European and African American ancestry in the NHLBI Exome SequencingProject, indicating it is not a common benign variant in these populations. In summary, c.206dupC in the BAG3 gene is interpreted as a pathogenic variant.

Literature cited by the submitters: PubMed 21353195 (cited by Labcorp Genetics (formerly Invitae), Labcorp); PubMed 25008357 (cited by Labcorp Genetics (formerly Invitae), Labcorp).